The following is an entry in ClinVar:

ClinVar aggregate classification (germline): Uncertain significance (1 of 4 stars; one submission).

Conditions:
TTN-related disorder. Also called: TTN-related disorders; TTN-related condition; TTN-related disease.

Submission:

PreventionGenetics, part of Exact Sciences
Classification: Uncertain significance for TTN-related condition. Last evaluated: 2025-02-28. Review status: criteria provided, single submitter. Criteria: ACMG Guidelines, 2015. Collection method: clinical testing. Allele origin: germline.
Comment: The TTN c.46815T>A variant is predicted to result in the amino acid substitution p.Asn15605Lys. To our knowledge, this variant has not been reported in the literature or in a large population database (gnomAD), indicating this variant is rare. At this time, the clinical significance of this variant is uncertain due to the absence of conclusive functional and genetic evidence.

NM_001267550.2(TTN):c.46815T>A (p.Asn15605Lys)

Genes: TTN (titin; minus strand), TTN-AS1 (TTN antisense RNA 1; plus strand). Cytogenetic location: 2q31.2.
Variant type: single nucleotide variant.
Coding change: c.46815T>A on transcript NM_001267550.2 (MANE Select); coding-DNA position 46815, T replaced by A.
Protein change: p.Asn15605Lys; replaces asparagine 15605 with lysine.
Molecular consequence: missense variant.
Genome position (GRCh38, 1-based): chr2:178,618,735, A>T on the plus strand (T>A on the coding strand, the complement: TTN is on the minus strand). VCF-style: chr2-178618735-A-T. GRCh37 (hg19) VCF-style: chr2-179483462-A-T.
Other names: c.41892T>A, p.Asn13964Lys (NM_001256850.1); c.19620T>A, p.Asn6540Lys (NM_003319.4); c.39111T>A, p.Asn13037Lys (NM_133378.4); c.19995T>A, p.Asn6665Lys (NM_133432.3); c.20196T>A, p.Asn6732Lys (NM_133437.4); short protein forms N13964K, N13037K, N15605K, N6540K, N6665K, N6732K.
Identifiers: ClinVar variation 4999066 (VCV004999066.1).
Genomic context (GRCh38, chr2:178,618,735, plus strand): 5'-TAAAATTCTGAAAGAAGTTTGTTCAGCCGTAGTATCAATGGTTTTTGTAGATAAAGGTTC[A>T]TTTTCTTTAAACCATTCAGCTTCTGCTTTGGGGTAGGCATCATATGGCACCACCATTGTC-3'
Protein context (NP_001254479.2, residues 15595-15615): PKAEAEWFKE[Asn15605Lys]EPLSTKTIDT